The following is an entry in ClinVar:

NM_006080.3(SEMA3A):c.1369A>G (p.Thr457Ala)

Gene: SEMA3A (semaphorin 3A; minus strand). Cytogenetic location: 7q21.11.
Variant type: single nucleotide variant.
Coding change: c.1369A>G on transcript NM_006080.3 (MANE Select); coding-DNA position 1369, A replaced by G.
Protein change: p.Thr457Ala; replaces threonine 457 with alanine.
Molecular consequence: missense variant.
Genome position (GRCh38, 1-based): chr7:84,002,038, T>C on the plus strand (A>G on the coding strand, the complement: SEMA3A is on the minus strand). VCF-style: chr7-84002038-T-C. GRCh37 (hg19) VCF-style: chr7-83631354-T-C.
Other names: short protein forms T457A.
Identifiers: ClinVar variation 4997809 (VCV004997809.1).

ClinVar aggregate classification (germline): Uncertain significance (1 of 4 stars; one submission).

Conditions:
SEMA3A-related disorder. Also called: SEMA3A-related condition.

Submission:

PreventionGenetics, part of Exact Sciences
Classification: Uncertain significance for SEMA3A-related condition. Last evaluated: 2024-11-27. Review status: criteria provided, single submitter. Criteria: ACMG Guidelines, 2015. Collection method: clinical testing. Allele origin: germline.
Comment: The SEMA3A c.1369A>G variant is predicted to result in the amino acid substitution p.Thr457Ala. This variant has been reported in individuals with hypogonadotropic hypogonadism, idiopathic (Men et al. 2019. PubMed ID: 31748124; Dai et al. 2021. PubMed ID: 34721574). Functional studies found this variant resulted in defective secretion (Dai et al. 2021. PubMed ID: 34721574). This variant is reported in 0.0055% of alleles in individuals of East Asian descent in gnomAD. Although we suspect that this variant may be pathogenic, at this time, the clinical significance of this variant is uncertain due to the absence of conclusive functional and genetic evidence.